The following is an entry in ClinVar:

NM_018975.4(TERF2IP):c.576G>C (p.Glu192Asp)

Gene: TERF2IP (TERF2 interacting protein; plus strand). Cytogenetic location: 16q23.1.
Variant type: single nucleotide variant.
Coding change: c.576G>C on transcript NM_018975.4 (MANE Select); coding-DNA position 576, G replaced by C.
Protein change: p.Glu192Asp; replaces glutamic acid 192 with aspartic acid.
Molecular consequence: missense variant. On other transcripts: non-coding transcript variant (1).
Genome position (GRCh38, 1-based): chr16:75,648,458, G>C. VCF-style: chr16-75648458-G-C. GRCh37 (hg19) VCF-style: chr16-75682356-G-C.
Other names: c.576G>C (NM_018975.3); short protein forms E192D.
Identifiers: ClinVar variation 2014668 (VCV002014668.5), dbSNP rs2507074837, ClinGen allele CA396818204.

ClinVar aggregate classification (germline): Uncertain significance. Review status: criteria provided, multiple submitters, no conflicts (2 of 4 stars). 2 submissions from 2 submitters: Uncertain significance (2). Last evaluated 2024-10-16.

Submissions (2):

Labcorp Genetics (formerly Invitae), Labcorp
Classification: Uncertain significance. Last evaluated: 2024-10-16. Review status: criteria provided, single submitter. Criteria: Invitae Variant Classification Sherloc (09022015). Collection method: clinical testing. Allele origin: germline.
Comment: This sequence change replaces glutamic acid, which is acidic and polar, with aspartic acid, which is acidic and polar, at codon 192 of the TERF2IP protein (p.Glu192Asp). This variant is not present in population databases (gnomAD no frequency). This variant has not been reported in the literature in individuals affected with TERF2IP-related conditions. ClinVar contains an entry for this variant (Variation ID: 2014668). An algorithm developed to predict the effect of missense changes on protein structure and function (PolyPhen-2) suggests that this variant is likely to be disruptive. In summary, the available evidence is currently insufficient to determine the role of this variant in disease. Therefore, it has been classified as a Variant of Uncertain Significance.

Ambry Genetics
Classification: Uncertain significance. Last evaluated: 2024-08-19. Review status: criteria provided, single submitter. Criteria: Ambry Variant Classification Scheme 2023. Collection method: clinical testing. Allele origin: germline.
Comment: The p.E192D variant (also known as c.576G>C), located in coding exon 1 of the TERF2IP gene, results from a G to C substitution at nucleotide position 576. The glutamic acid at codon 192 is replaced by aspartic acid, an amino acid with highly similar properties. This amino acid position is conserved. In addition, this alteration is predicted to be tolerated by in silico analysis. Based on the available evidence, the clinical significance of this variant remains unclear.